The following is an entry in ClinVar:

ClinVar aggregate classification (germline): Uncertain significance (1 of 4 stars; one submission).

gnomAD v4.1: 1 of 1,614,064 alleles (0.000062%); highest among the groups gnomAD compares: East Asian, 0.0022%; no homozygotes.

Submission:

Ambry Genetics
Classification: Uncertain significance. Last evaluated: 2024-01-16. Review status: criteria provided, single submitter. Criteria: Ambry Variant Classification Scheme 2023. Collection method: clinical testing. Allele origin: germline.
Comment: The p.G156D variant (also known as c.467G>A), located in coding exon 3 of the ALPK2 gene, results from a G to A substitution at nucleotide position 467. The glycine at codon 156 is replaced by aspartic acid, an amino acid with similar properties. This amino acid position is conserved. In addition, this alteration is predicted to be tolerated by in silico analysis. Since supporting evidence is limited at this time, the clinical significance of this alteration remains unclear.

NM_052947.4(ALPK2):c.467G>A (p.Gly156Asp)

Gene: ALPK2 (alpha kinase 2; minus strand). Cytogenetic location: 18q21.31.
Variant type: single nucleotide variant.
Coding change: c.467G>A on transcript NM_052947.4 (MANE Select); coding-DNA position 467, G replaced by A.
Protein change: p.Gly156Asp; replaces glycine 156 with aspartic acid.
Molecular consequence: missense variant.
Genome position (GRCh38, 1-based): chr18:58,580,309, C>T on the plus strand (G>A on the coding strand, the complement: ALPK2 is on the minus strand). VCF-style: chr18-58580309-C-T. GRCh37 (hg19) VCF-style: chr18-56247541-C-T.
Other names: short protein forms G156D.
Identifiers: ClinVar variation 3228760 (VCV003228760.1), dbSNP rs2518900203, ClinGen allele CA402567905.